The following is an entry in ClinVar:

ClinVar aggregate classification (germline): Uncertain significance (1 of 4 stars; one submission).

Conditions:
Perlman syndrome (PRLMNS). Identifiers: Orphanet 2849, MedGen C0796113, MONDO:0009965, OMIM 267000.

Allele frequency attached by ClinVar (database versions not stated): gnomAD 0.00001; gnomAD exomes 0.00001 and 0.00002; TOPMed 0.00001; ExAC 0.00002.
gnomAD v4.1: 22 of 1,613,762 alleles (0.0014%); highest among the groups gnomAD compares: Non-Finnish European, 0.0017%; no homozygotes.

Submission:

Labcorp Genetics (formerly Invitae), Labcorp
Classification: Uncertain significance for Perlman syndrome. Last evaluated: 2024-11-10. Review status: criteria provided, single submitter. Criteria: Invitae Variant Classification Sherloc (09022015). Collection method: clinical testing. Allele origin: germline.
Comment: This sequence change replaces glutamic acid, which is acidic and polar, with alanine, which is neutral and non-polar, at codon 366 of the DIS3L2 protein (p.Glu366Ala). This variant is present in population databases (rs765929142, gnomAD 0.002%). This variant has not been reported in the literature in individuals affected with DIS3L2-related conditions. ClinVar contains an entry for this variant (Variation ID: 241959). Invitae Evidence Modeling of protein sequence and biophysical properties (such as structural, functional, and spatial information, amino acid conservation, physicochemical variation, residue mobility, and thermodynamic stability) indicates that this missense variant is not expected to disrupt DIS3L2 protein function with a negative predictive value of 80%. In summary, the available evidence is currently insufficient to determine the role of this variant in disease. Therefore, it has been classified as a Variant of Uncertain Significance.

NM_152383.5(DIS3L2):c.1097A>C (p.Glu366Ala)

Gene: DIS3L2 (DIS3 like 3'-5' exoribonuclease 2; plus strand). Cytogenetic location: 2q37.1.
Variant type: single nucleotide variant.
Coding change: c.1097A>C on transcript NM_152383.5 (MANE Select); coding-DNA position 1097, A replaced by C.
Protein change: p.Glu366Ala; replaces glutamic acid 366 with alanine.
Molecular consequence: missense variant. On other transcripts: non-coding transcript variant (2).
Genome position (GRCh38, 1-based): chr2:232,163,605, A>C. VCF-style: chr2-232163605-A-C. GRCh37 (hg19) VCF-style: chr2-233028315-A-C.
Other names: c.1097A>C, p.Glu366Ala (NM_001257281.2); short protein forms E366A.
Identifiers: ClinVar variation 241959 (VCV000241959.9), dbSNP rs765929142, ClinGen allele CA2164004.